The following is an entry in ClinVar:

ClinVar aggregate classification (germline): Likely pathogenic. Review status: criteria provided, multiple submitters, no conflicts (2 of 4 stars). 2 submissions from 2 submitters: Likely pathogenic (2). Last evaluated 2023-04-10.

Conditions:
PDZD7-related disorder. Also called: PDZD7-related condition; PDZD7-related disorders.

Allele frequency attached by ClinVar (database versions not stated): gnomAD exomes 0.00001.
gnomAD v4.1: 8 of 1,550,196 alleles (0.00052%); highest among the groups gnomAD compares: Non-Finnish European, 0.0007%; no homozygotes.

Submissions (2):

Labcorp Genetics (formerly Invitae), Labcorp
Classification: Likely pathogenic. Last evaluated: 2023-04-10. Review status: criteria provided, single submitter. Criteria: Invitae Variant Classification Sherloc (09022015). Collection method: clinical testing. Allele origin: germline.
Comment: This sequence change affects a donor splice site in intron 11 of the PDZD7 gene. It is expected to disrupt RNA splicing. Variants that disrupt the donor or acceptor splice site typically lead to a loss of protein function (PMID: 16199547), and loss-of-function variants in PDZD7 are known to be pathogenic (PMID: 20440071). This variant is not present in population databases (gnomAD no frequency). This variant has not been reported in the literature in individuals affected with PDZD7-related conditions. Algorithms developed to predict the effect of sequence changes on RNA splicing suggest that this variant may disrupt the consensus splice site. In summary, the currently available evidence indicates that the variant is pathogenic, but additional data are needed to prove that conclusively. Therefore, this variant has been classified as Likely Pathogenic.

Blueprint Genetics
Classification: Likely pathogenic for PDZD7-related disorders. Last evaluated: 2020-04-07. Review status: criteria provided, single submitter. Criteria: ACMG Guidelines, 2015. Collection method: clinical testing. Allele origin: germline. Affected: yes. Observed: 1 variant allele.

Literature cited by the submitters: PubMed 16199547 (cited by Labcorp Genetics (formerly Invitae), Labcorp); PubMed 20440071 (cited by Labcorp Genetics (formerly Invitae), Labcorp).

NM_001195263.2(PDZD7):c.1749+2T>G

Gene: PDZD7 (PDZ domain containing 7; minus strand). Cytogenetic location: 10q24.31.
Variant type: single nucleotide variant.
Coding change: c.1749+2T>G on transcript NM_001195263.2 (MANE Select); the canonical splice donor site of the intron after coding-DNA position 1749, T replaced by G.
Molecular consequence: splice donor variant.
Genome position (GRCh38, 1-based): chr10:101,015,634, A>C on the plus strand (T>G on the coding strand, the complement: PDZD7 is on the minus strand). VCF-style: chr10-101015634-A-C. GRCh37 (hg19) VCF-style: chr10-102775391-A-C.
Identifiers: ClinVar variation 2854736 (VCV002854736.4), dbSNP rs2492821542, ClinGen allele CA378226775.